The following is an entry in ClinVar:

ClinVar aggregate classification (germline): Uncertain significance (1 of 4 stars; one submission).

Conditions:
Marfan syndrome (MFS). Also called: MARFAN SYNDROME, TYPE I; Marfan syndrome type 1; Marfan's syndrome; Marfan syndrome, classic; FBN1-Related Marfan Syndrome. Identifiers: Orphanet 284963, Orphanet 558, MedGen C0024796, MONDO:0007947, OMIM 154700.
Familial thoracic aortic aneurysm and aortic dissection (TAAD). Also called: Thoracic aortic aneurysms and dissections. Identifiers: Orphanet 91387, MedGen C4707243, MONDO:0019625.

Submission:

Labcorp Genetics (formerly Invitae), Labcorp
Classification: Uncertain significance for Marfan syndrome; Familial thoracic aortic aneurysm and aortic dissection. Last evaluated: 2023-11-16. Review status: criteria provided, single submitter. Criteria: Invitae Variant Classification Sherloc (09022015). Collection method: clinical testing. Allele origin: germline.
Comment: This sequence change replaces aspartic acid, which is acidic and polar, with glutamic acid, which is acidic and polar, at codon 1885 of the FBN1 protein (p.Asp1885Glu). This variant is not present in population databases (gnomAD no frequency). This variant has not been reported in the literature in individuals affected with FBN1-related conditions. Advanced modeling of protein sequence and biophysical properties (such as structural, functional, and spatial information, amino acid conservation, physicochemical variation, residue mobility, and thermodynamic stability) performed at Invitae indicates that this missense variant is not expected to disrupt FBN1 protein function with a negative predictive value of 95%. In summary, the available evidence is currently insufficient to determine the role of this variant in disease. Therefore, it has been classified as a Variant of Uncertain Significance.

NM_000138.5(FBN1):c.5655C>G (p.Asp1885Glu)

Gene: FBN1 (fibrillin 1; minus strand). Cytogenetic location: 15q21.1.
Variant type: single nucleotide variant.
Coding change: c.5655C>G on transcript NM_000138.5 (MANE Select); coding-DNA position 5655, C replaced by G.
Protein change: p.Asp1885Glu; replaces aspartic acid 1885 with glutamic acid.
Molecular consequence: missense variant.
Genome position (GRCh38, 1-based): chr15:48,448,784, G>C on the plus strand (C>G on the coding strand, the complement: FBN1 is on the minus strand). VCF-style: chr15-48448784-G-C. GRCh37 (hg19) VCF-style: chr15-48740981-G-C.
Other names: c.5655C>G, p.Asp1885Glu (NM_001406716.1); short protein forms D1885E.
Identifiers: ClinVar variation 2953924 (VCV002953924.3), dbSNP rs2505463135, ClinGen allele CA392341724.